The following is an entry in ClinVar:

ClinVar aggregate classification (germline): Uncertain significance (1 of 4 stars; one submission).

Conditions:
Dextro-looped transposition of the great arteries. Also called: Dextrotransposition of the great arteries. Identifiers: Orphanet 860, MedGen C3531771, MONDO:0019443, OMIM 608808, HP:0031348.

gnomAD v4.1: 7 of 1,613,808 alleles (0.00043%); highest among the groups gnomAD compares: East Asian, 0.0022%; no homozygotes.

Submission:

Labcorp Genetics (formerly Invitae), Labcorp
Classification: Uncertain significance for Dextro-looped transposition of the great arteries. Last evaluated: 2026-01-11. Review status: criteria provided, single submitter. Criteria: Invitae Variant Classification Sherloc (09022015). Collection method: clinical testing. Allele origin: germline.
Comment: This sequence change replaces arginine, which is basic and polar, with glutamine, which is neutral and polar, at codon 2075 of the MED13L protein (p.Arg2075Gln). This variant is present in population databases (rs769404734, gnomAD 0.002%). This variant has not been reported in the literature in individuals affected with MED13L-related conditions. An algorithm developed to predict the effect of missense changes on protein structure and function (PolyPhen-2) suggests that this variant is likely to be disruptive. In summary, the available evidence is currently insufficient to determine the role of this variant in disease. Therefore, it has been classified as a Variant of Uncertain Significance.

NM_015335.5(MED13L):c.6224G>A (p.Arg2075Gln)

Gene: MED13L (mediator complex subunit 13L; minus strand). Cytogenetic location: 12q24.21.
Variant type: single nucleotide variant.
Coding change: c.6224G>A on transcript NM_015335.5 (MANE Select); coding-DNA position 6224, G replaced by A.
Protein change: p.Arg2075Gln; replaces arginine 2075 with glutamine.
Molecular consequence: missense variant.
Genome position (GRCh38, 1-based): chr12:115,968,941, C>T on the plus strand (G>A on the coding strand, the complement: MED13L is on the minus strand). VCF-style: chr12-115968941-C-T. GRCh37 (hg19) VCF-style: chr12-116406746-C-T.
Other names: short protein forms R2075Q.
Identifiers: ClinVar variation 4738127 (VCV004738127.1).
Genomic context (GRCh38, chr12:115,968,941, plus strand): 5'-TGGATTATCTTCCTAAAGGCTATGGTTGTCTTAAACAACGTACTCCAAATCATCCTTACC[C>T]GACTATGCTGGAAGTGAGAGCCCACACCAATTCCAGAAGGAGAGCCTGGGGAGGGTACTG-3'
Protein context (NP_056150.1, residues 2065-2085): IGVGSHFQHS[Arg2075Gln]SQGERLLSRE